The following is an entry in ClinVar:

ClinVar aggregate classification (germline): Uncertain significance. Review status: criteria provided, multiple submitters, no conflicts (2 of 4 stars). 2 submissions from 2 submitters: Uncertain significance (2). Last evaluated 2025-08-18.

Conditions:
Inborn genetic diseases. Identifiers: MedGen C0950123, MeSH D030342.

Allele frequency attached by ClinVar (database versions not stated): gnomAD exomes below 0.00001 and 0.00001; ExAC 0.00001; gnomAD 0.00005 and 0.00006; TOPMed 0.00005.
gnomAD v4.1: 11 of 1,607,824 alleles (0.00068%); highest among the groups gnomAD compares: African/African-American, 0.012%; no homozygotes.

Submissions (2):

Labcorp Genetics (formerly Invitae), Labcorp
Classification: Uncertain significance. Last evaluated: 2025-08-18. Review status: criteria provided, single submitter. Criteria: Invitae Variant Classification Sherloc (09022015). Collection method: clinical testing. Allele origin: germline.
Comment: This sequence change replaces isoleucine, which is neutral and non-polar, with methionine, which is neutral and non-polar, at codon 1165 of the OBSL1 protein (p.Ile1165Met). This variant is present in population databases (rs778017047, gnomAD 0.01%). This variant has not been reported in the literature in individuals affected with OBSL1-related conditions. ClinVar contains an entry for this variant (Variation ID: 1370324). An algorithm developed to predict the effect of missense changes on protein structure and function (PolyPhen-2) suggests that this variant is likely to be tolerated. In summary, the available evidence is currently insufficient to determine the role of this variant in disease. Therefore, it has been classified as a Variant of Uncertain Significance.

Ambry Genetics
Classification: Uncertain significance for Inborn genetic diseases. Last evaluated: 2025-05-04. Review status: criteria provided, single submitter. Criteria: Ambry Variant Classification Scheme 2023. Collection method: clinical testing. Allele origin: germline.

NM_015311.3(OBSL1):c.3495C>G (p.Ile1165Met)

Gene: OBSL1 (obscurin like cytoskeletal adaptor 1; minus strand). Cytogenetic location: 2q35.
Variant type: single nucleotide variant.
Coding change: c.3495C>G on transcript NM_015311.3 (MANE Select); coding-DNA position 3495, C replaced by G.
Protein change: p.Ile1165Met; replaces isoleucine 1165 with methionine.
Molecular consequence: missense variant.
Genome position (GRCh38, 1-based): chr2:219,558,191, G>C on the plus strand (C>G on the coding strand, the complement: OBSL1 is on the minus strand). VCF-style: chr2-219558191-G-C. GRCh37 (hg19) VCF-style: chr2-220422913-G-C.
Other names: c.3495C>G, p.Ile1165Met (NM_001173431.2); c.3495C>G (NM_015311.2); short protein forms I1165M.
Identifiers: ClinVar variation 1370324 (VCV001370324.9), dbSNP rs778017047, ClinGen allele CA2130850.